The following is an entry in ClinVar:

ClinVar aggregate classification (germline): Likely benign (1 of 4 stars; one submission).

Allele frequency attached by ClinVar (database versions not stated): TOPMed 0.00013; gnomAD 0.00014; gnomAD exomes 0.00022; ESP Exome Variant Server 0.00023; ExAC 0.00049.
gnomAD v4.1: 365 of 1,614,080 alleles (0.023%); highest among the groups gnomAD compares: East Asian, 0.12%; 2 homozygotes.

Submission:

CeGaT Center for Human Genetics Tuebingen
Classification: Likely benign. Last evaluated: 2023-01-01. Review status: criteria provided, single submitter. Criteria: CeGaT Center For Human Genetics Tuebingen Variant Classification Criteria Version 2. Collection method: clinical testing. Allele origin: germline. Affected: yes. Observed: 1 variant allele.
Comment: HERC2: BP4, BP7

NM_004667.6(HERC2):c.6549C>T (p.Ser2183=)

Gene: HERC2 (HECT and RLD domain containing E3 ubiquitin protein ligase 2; minus strand). Cytogenetic location: 15q13.1.
Variant type: single nucleotide variant.
Coding change: c.6549C>T on transcript NM_004667.6 (MANE Select); coding-DNA position 6549, C replaced by T.
Protein change: p.Ser2183=; no amino-acid change (serine 2183 retained).
Molecular consequence: synonymous variant.
Genome position (GRCh38, 1-based): chr15:28,214,082, G>A on the plus strand (C>T on the coding strand, the complement: HERC2 is on the minus strand). VCF-style: chr15-28214082-G-A. GRCh37 (hg19) VCF-style: chr15-28459228-G-A.
Identifiers: ClinVar variation 2645065 (VCV002645065.24), dbSNP rs199647215, ClinGen allele CA7442024.